The following is an entry in ClinVar:

NM_001164508.2(NEB):c.11234G>A (p.Arg3745His)

Gene: NEB (nebulin; minus strand). Cytogenetic location: 2q23.3.
Variant type: single nucleotide variant.
Coding change: c.11234G>A on transcript NM_001164508.2 (MANE Select); coding-DNA position 11234, G replaced by A.
Protein change: p.Arg3745His; replaces arginine 3745 with histidine.
Molecular consequence: missense variant.
Genome position (GRCh38, 1-based): chr2:151,616,057, C>T on the plus strand (G>A on the coding strand, the complement: NEB is on the minus strand). VCF-style: chr2-151616057-C-T. GRCh37 (hg19) VCF-style: chr2-152472571-C-T.
Other names: c.11234G>A, p.Arg3745His (NM_001164507.2, NM_001271208.2); c.10505G>A, p.Arg3502His (NM_004543.5); short protein forms R3502H, R3745H.
Identifiers: ClinVar variation 2138903 (VCV002138903.4), dbSNP rs765379397, ClinGen allele CA1908803.

ClinVar aggregate classification (germline): Uncertain significance. Review status: criteria provided, multiple submitters, no conflicts (2 of 4 stars). 2 submissions from 2 submitters: Uncertain significance (2). Last evaluated 2022-05-18.

Conditions:
Nemaline myopathy 2 (NEM2). Also called: Nemaline myopathy 2, autosomal recessive. Identifiers: MedGen C1850569, MONDO:0009725, OMIM 256030.

gnomAD v4.1: 28 of 1,612,980 alleles (0.0017%); highest among the groups gnomAD compares: East Asian, 0.013%; no homozygotes.

Submissions (2):

Labcorp Genetics (formerly Invitae), Labcorp
Classification: Uncertain significance for Nemaline myopathy 2. Last evaluated: 2022-05-18. Review status: criteria provided, single submitter. Criteria: Invitae Variant Classification Sherloc (09022015). Collection method: clinical testing. Allele origin: germline.
Comment: This sequence change replaces arginine, which is basic and polar, with histidine, which is basic and polar, at codon 3745 of the NEB protein (p.Arg3745His). This variant is present in population databases (rs765379397, gnomAD 0.02%). This variant has not been reported in the literature in individuals affected with NEB-related conditions. Algorithms developed to predict the effect of missense changes on protein structure and function are either unavailable or do not agree on the potential impact of this missense change (SIFT: "Deleterious"; PolyPhen-2: "Not Available"; Align-GVGD: "Class C0"). In summary, the available evidence is currently insufficient to determine the role of this variant in disease. Therefore, it has been classified as a Variant of Uncertain Significance.

Revvity Omics, Revvity
Classification: Uncertain significance. Last evaluated: 2021-06-13. Review status: criteria provided, single submitter. Criteria: ACMG Guidelines, 2015. Collection method: clinical testing. Allele origin: germline.